The following is an entry in ClinVar:

ClinVar aggregate classification (germline): Uncertain significance (1 of 4 stars; one submission).

Submission:

Labcorp Genetics (formerly Invitae), Labcorp
Classification: Uncertain significance. Last evaluated: 2025-12-11. Review status: criteria provided, single submitter. Criteria: Invitae Variant Classification Sherloc (09022015). Collection method: clinical testing. Allele origin: germline.
Comment: This sequence change replaces tyrosine, which is neutral and polar, with phenylalanine, which is neutral and non-polar, at codon 88 of the FBLN5 protein (p.Tyr88Phe). This variant is present in population databases (rs775625597, gnomAD 0.003%). This variant has not been reported in the literature in individuals affected with FBLN5-related conditions. An algorithm developed to predict the effect of missense changes on protein structure and function (PolyPhen-2) suggests that this variant is likely to be tolerated. In summary, the available evidence is currently insufficient to determine the role of this variant in disease. Therefore, it has been classified as a Variant of Uncertain Significance.

NM_006329.4(FBLN5):c.263A>T (p.Tyr88Phe)

Gene: FBLN5 (fibulin 5; minus strand). Cytogenetic location: 14q32.12.
Variant type: single nucleotide variant.
Coding change: c.263A>T on transcript NM_006329.4 (MANE Select); coding-DNA position 263, A replaced by T.
Protein change: p.Tyr88Phe; replaces tyrosine 88 with phenylalanine.
Molecular consequence: missense variant.
Genome position (GRCh38, 1-based): chr14:91,937,063, T>A on the plus strand (A>T on the coding strand, the complement: FBLN5 is on the minus strand). VCF-style: chr14-91937063-T-A. GRCh37 (hg19) VCF-style: chr14-92403407-T-A.
Other names: c.386A>T, p.Tyr129Phe (NM_001384158.1); c.314A>T, p.Tyr105Phe (NM_001384159.1); c.263A>T, p.Tyr88Phe (NM_001384160.1); c.95A>T, p.Tyr32Phe (NM_001384161.1, NM_001384162.1); short protein forms Y129F, Y88F, Y105F, Y32F.
Identifiers: ClinVar variation 4769245 (VCV004769245.1).
Genomic context (GRCh38, chr14:91,937,063, plus strand): 5'-GAGATCGTGGGATAGTTTGGAGCTGAGAGTGGTGGGGCAGCTGCTGGGTACGGACCTGAG[T>A]AGGGGGTCGAGTAGGGGTTCGAGTAGGGCCCTCGATACACAGGGTTTGTCCGGGGAATGC-3'
Protein context (NP_006320.2, residues 78-98): GPYSNPYSTP[Tyr88Phe]SGPYPAAAPP